The following is an entry in ClinVar:

ClinVar aggregate classification (germline): Uncertain significance. Review status: criteria provided, multiple submitters, no conflicts (2 of 4 stars). 4 submissions from 4 submitters: Uncertain significance (3). 1 of the submissions does not count toward it. Last evaluated 2023-11-13.

Conditions:
Cardiovascular phenotype. Identifiers: MedGen CN230736.
Walker-Warburg congenital muscular dystrophy. Also called: Muscular dystrophy-dystroglycanopathy, type A; Walker-Warburg syndrome. Identifiers: Orphanet 899, MedGen C0265221, MONDO:0000171.

Submissions (4):

Ambry Genetics
Classification: Uncertain significance for Cardiovascular phenotype. Last evaluated: 2023-11-13. Review status: criteria provided, single submitter. Criteria: Ambry Variant Classification Scheme 2023. Collection method: clinical testing. Allele origin: germline.
Comment: The c.722_724delAAG variant (also known as p.E241del) is located in coding exon 5 of the FKTN gene. This variant results from an in-frame AAG deletion at nucleotide positions 722 to 724. This results in the in-frame deletion of a glutamic acid at codon 241. This amino acid position is highly conserved in available vertebrate species. In addition, this alteration is predicted to be deleterious by in silico analysis (Choi Y et al. PLoS ONE. 2012; 7(10):e46688). Since supporting evidence is limited at this time, the clinical significance of this alteration remains unclear.

Labcorp Genetics (formerly Invitae), Labcorp
Classification: Uncertain significance for Walker-Warburg congenital muscular dystrophy. Last evaluated: 2022-07-05. Review status: criteria provided, single submitter. Criteria: Invitae Variant Classification Sherloc (09022015). Collection method: clinical testing. Allele origin: germline.
Comment: This variant, c.722_724del, results in the deletion of 1 amino acid(s) of the FKTN protein (p.Glu241del), but otherwise preserves the integrity of the reading frame. This variant is present in population databases (no rsID available, gnomAD 0.01%). This variant has not been reported in the literature in individuals affected with FKTN-related conditions. ClinVar contains an entry for this variant (Variation ID: 459223). Experimental studies and prediction algorithms are not available or were not evaluated, and the functional significance of this variant is currently unknown. In summary, the available evidence is currently insufficient to determine the role of this variant in disease. Therefore, it has been classified as a Variant of Uncertain Significance.

Revvity Omics, Revvity
Classification: Uncertain significance. Last evaluated: 2021-09-20. Review status: criteria provided, single submitter. Criteria: ACMG Guidelines, 2015. Collection method: clinical testing. Allele origin: germline.

Natera, Inc.
Classification: Uncertain significance for Walker-Warburg congenital muscular dystrophy. Last evaluated: 2019-11-11. Review status: no assertion criteria provided. Collection method: clinical testing. Allele origin: germline. Not counted in ClinVar's aggregate classification.

NM_001079802.2(FKTN):c.719AAG[1] (p.Glu241del)

Gene: FKTN (fukutin; plus strand). Cytogenetic location: 9q31.2.
Variant type: Microsatellite.
Coding change: c.719AAG[1] on transcript NM_001079802.2 (MANE Select); one copy of the 3-base unit AAG starting at c.719; the reference has two copies in a row; one copy, 3 bases deleted; also written c.722_724del.
Protein change: p.Glu241del; deletes glutamic acid 241.
Molecular consequence: inframe deletion. On other transcripts: non-coding transcript variant (2).
Genome position (GRCh38, 1-based): chr9:105,607,893-105,607,895, AAG deleted; deleting any 3 consecutive bases within chr9:105,607,888-105,607,895 gives the same sequence; the position shown is the placement nearest the transcript's 3' end. VCF-style (leftmost placement, unchanged base first): chr9-105607887-TAGA-T. GRCh37 (hg19) VCF-style: chr9-108370168-TAGA-T.
Other names: c.722_724del (NM_001079802.2); c.722_724delAAG (NM_001079802.1); c.719AAG[1], p.Glu241del (NM_001198963.2, NM_001351496.2, NM_001351498.2 and 1 more transcripts); c.650AAG[1], p.Glu218del (NM_001351497.2); c.323AAG[1], p.Glu109del (NM_001351499.2, NM_001351500.2, NM_001351501.2 and 1 more transcripts); short protein forms E241del, E109del, E218del.
Identifiers: ClinVar variation 459223 (VCV000459223.13), dbSNP rs1437925297, ClinGen allele CA589859209.